The following is an entry in ClinVar:

ClinVar aggregate classification (germline): Uncertain significance (1 of 4 stars; one submission).

Conditions:
Hereditary cancer-predisposing syndrome. Also called: Neoplastic Syndromes, Hereditary; Tumor predisposition; Hereditary neoplastic syndrome; Hereditary Cancer Syndrome. Identifiers: Orphanet 140162, MedGen C0027672, MeSH D009386, MONDO:0015356.

Submission:

Ambry Genetics
Classification: Uncertain significance for Hereditary cancer-predisposing syndrome. Last evaluated: 2026-07-07. Review status: criteria provided, single submitter. Criteria: Ambry Variant Classification Scheme 2023. Collection method: clinical testing. Allele origin: germline.
Comment: The p.N1666H variant (also known as c.4996A>C), located in coding exon 10 of the BRCA2 gene, results from an A to C substitution at nucleotide position 4996. The asparagine at codon 1666 is replaced by histidine, an amino acid with similar properties. This amino acid position is conserved. In addition, this alteration is predicted to be tolerated by in silico analysis. Based on the available evidence, the clinical significance of this variant remains unclear.

NM_000059.4(BRCA2):c.4996A>C (p.Asn1666His)

Gene: BRCA2 (BRCA2 DNA repair associated; plus strand). Cytogenetic location: 13q13.1.
Variant type: single nucleotide variant.
Coding change: c.4996A>C on transcript NM_000059.4 (MANE Select); coding-DNA position 4996, A replaced by C.
Protein change: p.Asn1666His; replaces asparagine 1666 with histidine.
Molecular consequence: missense variant. On other transcripts: non-coding transcript variant (1), intron variant (2).
Genome position (GRCh38, 1-based): chr13:32,339,351, A>C. VCF-style: chr13-32339351-A-C. GRCh37 (hg19) VCF-style: chr13-32913488-A-C.
Other names: c.4996A>C, p.Asn1666His (NM_001406719.1, NM_001406720.1, NM_001432077.1); c.1910-5207A>C (NM_001406721.1); c.425-5207A>C (NM_001406722.1); short protein forms N1666H.
Identifiers: ClinVar variation 5033301 (VCV005033301.1).